The following is an entry in ClinVar:

NM_001010874.5(TECRL):c.220T>C (p.Cys74Arg)

Gene: TECRL (trans-2,3-enoyl-CoA reductase like; minus strand). Cytogenetic location: 4q13.1.
Variant type: single nucleotide variant.
Coding change: c.220T>C on transcript NM_001010874.5 (MANE Select); coding-DNA position 220, T replaced by C.
Protein change: p.Cys74Arg; replaces cysteine 74 with arginine.
Molecular consequence: missense variant.
Genome position (GRCh38, 1-based): chr4:64,409,132, A>G on the plus strand (T>C on the coding strand, the complement: TECRL is on the minus strand). VCF-style: chr4-64409132-A-G. GRCh37 (hg19) VCF-style: chr4-65274850-A-G.
Other names: c.220T>C, p.Cys74Arg (NM_001363796.1); short protein forms C74R.
Identifiers: ClinVar variation 1787751 (VCV001787751.3), dbSNP rs749103018, ClinGen allele CA2935668.

ClinVar aggregate classification (germline): Uncertain significance (1 of 4 stars; one submission).

Conditions:
Cardiovascular phenotype. Identifiers: MedGen CN230736.

Allele frequency attached by ClinVar (database versions not stated): gnomAD exomes below 0.00001; ExAC 0.00001; TOPMed 0.00001.
gnomAD v4.1: 3 of 1,609,828 alleles (0.00019%); highest among the groups gnomAD compares: East Asian, 0.0022%; no homozygotes.

Submission:

Ambry Genetics
Classification: Uncertain significance for Cardiovascular phenotype. Last evaluated: 2025-01-13. Review status: criteria provided, single submitter. Criteria: Ambry Variant Classification Scheme 2023. Collection method: clinical testing. Allele origin: germline.
Comment: The p.C74R variant (also known as c.220T>C), located in coding exon 1 of the TECRL gene, results from a T to C substitution at nucleotide position 220. The cysteine at codon 74 is replaced by arginine, an amino acid with highly dissimilar properties. This amino acid position is conserved. In addition, the in silico prediction for this alteration is inconclusive. Since supporting evidence is limited at this time, the clinical significance of this alteration remains unclear.